The following is an entry in ClinVar:

ClinVar aggregate classification (germline): Pathogenic (1 of 4 stars; one submission).

Conditions:
Isovaleryl-CoA dehydrogenase deficiency (IVA). Also called: Classic Isovaleric Acidemia; ISOVALERIC ACID CoA DEHYDROGENASE DEFICIENCY; Isovaleric acidemia; IVD DEFICIENCY. Identifiers: Orphanet 33, MedGen C0268575, MONDO:0009475, OMIM 243500.

Allele frequency attached by ClinVar (database versions not stated): gnomAD exomes 0.00001.

Submission:

Labcorp Genetics (formerly Invitae), Labcorp
Classification: Pathogenic for Isovaleryl-CoA dehydrogenase deficiency. Last evaluated: 2022-12-22. Review status: criteria provided, single submitter. Criteria: Invitae Variant Classification Sherloc (09022015). Collection method: clinical testing. Allele origin: germline.
Comment: For these reasons, this variant has been classified as Pathogenic. This variant has not been reported in the literature in individuals affected with IVD-related conditions. This variant is not present in population databases (gnomAD no frequency). This sequence change creates a premature translational stop signal (p.Met332Valfs*20) in the IVD gene. It is expected to result in an absent or disrupted protein product. Loss-of-function variants in IVD are known to be pathogenic (PMID: 16602101).

Literature cited by the submitters: PubMed 16602101.

NM_002225.5(IVD):c.985_986del (p.Met329fs)

Gene: IVD (isovaleryl-CoA dehydrogenase; plus strand). Cytogenetic location: 15q15.1.
Variant type: Deletion.
Coding change: c.985_986del on transcript NM_002225.5 (MANE Select); coding-DNA positions 985 to 986, 2 bases deleted (AT; older notation c.985_986delAT).
Protein change: p.Met329fs; shifts the reading frame from methionine 329.
Molecular consequence: frameshift variant. On other transcripts: non-coding transcript variant (1).
Genome position (GRCh38, 1-based): chr15:40,416,102-40,416,103, AT deleted. VCF-style (leftmost placement, unchanged base first): chr15-40416101-CAT-C. GRCh37 (hg19) VCF-style: chr15-40708300-CAT-C.
Other names: c.895_896del, p.Met299fs (NM_001159508.3); c.937_938del, p.Met313fs (NM_001354597.3); c.985_986del, p.Met329fs (NM_001354598.3, NM_001354601.3); c.1072_1073del, p.Met358fs (NM_001354599.3, NM_001354600.3); short protein forms M299fs, M313fs, M329fs, M358fs.
Identifiers: ClinVar variation 3013988 (VCV003013988.3), dbSNP rs2542756101, ClinGen allele CA2627818292.